The following is an entry in ClinVar:

ClinVar aggregate classification (germline): Uncertain significance (1 of 4 stars; one submission).

Conditions:
Autosomal recessive limb-girdle muscular dystrophy type 2J (LGMDR10). Also called: Limb-girdle muscular dystrophy, type 2J; MUSCULAR DYSTROPHY, LIMB-GIRDLE, AUTOSOMAL RECESSIVE 10. Identifiers: Orphanet 140922, MedGen C1837342, MONDO:0012127, OMIM 608807.
Dilated cardiomyopathy 1G (CMD1G). Identifiers: Orphanet 154, MedGen C1858763, MONDO:0011400, OMIM 604145.

Submission:

Labcorp Genetics (formerly Invitae), Labcorp
Classification: Uncertain significance for Dilated cardiomyopathy 1G; Autosomal recessive limb-girdle muscular dystrophy type 2J. Last evaluated: 2025-07-20. Review status: criteria provided, single submitter. Criteria: Invitae Variant Classification Sherloc (09022015). Collection method: clinical testing. Allele origin: germline.
Comment: This sequence change replaces asparagine, which is neutral and polar, with lysine, which is basic and polar, at codon 35985 of the TTN protein (p.Asn35985Lys). This variant is not present in population databases (gnomAD no frequency). This variant has not been reported in the literature in individuals affected with TTN-related conditions. Experimental studies and prediction algorithms are not available or were not evaluated, and the functional significance of this variant is currently unknown. This variant is located in the M band of TTN (PMID: 25589632). Non-truncating variants in this region may be relevant for neuromuscular disorders, but have not been definitively shown to cause cardiomyopathy (PMID: 23975875). In summary, the available evidence is currently insufficient to determine the role of this variant in disease. Therefore, it has been classified as a Variant of Uncertain Significance.

Literature cited by the submitters: PubMed 25589632; PubMed 23975875.

NM_001267550.2(TTN):c.107955T>A (p.Asn35985Lys)

Genes: TTN-AS1 (TTN antisense RNA 1; plus strand), TTN (titin; minus strand). Cytogenetic location: 2q31.2.
Variant type: single nucleotide variant.
Coding change: c.107955T>A on transcript NM_001267550.2 (MANE Select); coding-DNA position 107955, T replaced by A.
Protein change: p.Asn35985Lys; replaces asparagine 35985 with lysine.
Molecular consequence: missense variant.
Genome position (GRCh38, 1-based): chr2:178,527,033, A>T on the plus strand (T>A on the coding strand, the complement: TTN is on the minus strand). VCF-style: chr2-178527033-A-T. GRCh37 (hg19) VCF-style: chr2-179391760-A-T.
Other names: c.103032T>A, p.Asn34344Lys (NM_001256850.1); c.80760T>A, p.Asn26920Lys (NM_003319.4); c.100251T>A, p.Asn33417Lys (NM_133378.4); c.81135T>A, p.Asn27045Lys (NM_133432.3); c.81336T>A, p.Asn27112Lys (NM_133437.4); short protein forms N33417K, N35985K, N26920K, N34344K, N27045K, N27112K.
Identifiers: ClinVar variation 4785625 (VCV004785625.1).
Genomic context (GRCh38, chr2:178,527,033, plus strand): 5'-AGTTAAGAATGAGTGTAGAGTATAAGGGCACAGGCCCTCTTAAATGGATCGAATATGTAT[A>T]TTCACAGTGGCAGAGTCAGATCCAAATTCATTCCCTAAACTCAGGGTATAAAGTCCACCA-3'
Protein context (NP_001254479.2, residues 35975-35991): NEFGSDSATV[Asn35985Lys]IHIRSI